The following is an entry in ClinVar:

ClinVar aggregate classification (germline): Uncertain significance (1 of 4 stars; one submission).

Conditions:
DICER1-related tumor predisposition. Also called: DICER1-related pleuropulmonary blastoma cancer predisposition syndrome; DICER1 syndrome. Identifiers: Orphanet 284343, MedGen C3839822, MONDO:0100216.

Submission:

Labcorp Genetics (formerly Invitae), Labcorp
Classification: Uncertain significance for DICER1-related tumor predisposition. Last evaluated: 2020-03-06. Review status: criteria provided, single submitter. Criteria: Invitae Variant Classification Sherloc (09022015). Collection method: clinical testing. Allele origin: germline.
Comment: This variant has not been reported in the literature in individuals with DICER1-related conditions. This sequence change replaces tyrosine with aspartic acid at codon 1570 of the DICER1 protein (p.Tyr1570Asp). The tyrosine residue is highly conserved and there is a large physicochemical difference between tyrosine and aspartic acid. This variant is not present in population databases (ExAC no frequency). Algorithms developed to predict the effect of missense changes on protein structure and function are either unavailable or do not agree on the potential impact of this missense change (SIFT: "Deleterious"; PolyPhen-2: "Probably Damaging"; Align-GVGD: "Class C15"). In summary, the available evidence is currently insufficient to determine the role of this variant in disease. Therefore, it has been classified as a Variant of Uncertain Significance.

NM_177438.3(DICER1):c.4708T>G (p.Tyr1570Asp)

Gene: DICER1 (dicer 1, ribonuclease III; minus strand). Cytogenetic location: 14q32.13.
Variant type: single nucleotide variant.
Coding change: c.4708T>G on transcript NM_177438.3 (MANE Select); coding-DNA position 4708, T replaced by G.
Protein change: p.Tyr1570Asp; replaces tyrosine 1570 with aspartic acid.
Molecular consequence: missense variant.
Genome position (GRCh38, 1-based): chr14:95,096,212, A>C on the plus strand (T>G on the coding strand, the complement: DICER1 is on the minus strand). VCF-style: chr14-95096212-A-C. GRCh37 (hg19) VCF-style: chr14-95562549-A-C.
Other names: c.4708T>G, p.Tyr1570Asp (NM_001195573.1, NM_001271282.3, NM_001291628.2 and 1 more transcripts); short protein forms Y1570D.
Identifiers: ClinVar variation 1018593 (VCV001018593.10), dbSNP rs1890317085, ClinGen allele CA390867475.